The following is an entry in ClinVar:

NM_001849.4(COL6A2):c.2663_2664dup (p.Gln889fs)

Gene: COL6A2 (collagen type VI alpha 2 chain; plus strand). Cytogenetic location: 21q22.3.
Variant type: Duplication.
Coding change: c.2663_2664dup on transcript NM_001849.4 (MANE Select); coding-DNA positions 2663 to 2664, 2 bases duplicated (AG; older notation c.2663_2664dupAG).
Protein change: p.Gln889fs; shifts the reading frame from glutamine 889.
Molecular consequence: frameshift variant.
Genome position (GRCh38, 1-based): chr21:46,132,155-46,132,156, AG duplicated. VCF-style (leftmost placement, unchanged base first): chr21-46132154-C-CAG. GRCh37 (hg19) VCF-style: chr21-47552068-C-CAG.
Other names: short protein forms Q889fs.
Identifiers: ClinVar variation 1459107 (VCV001459107.8), dbSNP rs2123455043, ClinGen allele CA2573106246.

ClinVar aggregate classification (germline): Pathogenic/Likely pathogenic. Review status: criteria provided, multiple submitters, no conflicts (2 of 4 stars). 2 submissions from 2 submitters: Pathogenic (1); Likely pathogenic (1). Last evaluated 2026-04-01.

Conditions:
Bethlem myopathy 1A. Also called: MYOPATHY, BENIGN CONGENITAL, WITH CONTRACTURES; Bethlem myopathy 1; Bethlem Muscular Dystrophy. Identifiers: Orphanet 610, MedGen CN029274, MONDO:0024530, OMIM 158810.

Submissions (2):

Dasa
Classification: Likely pathogenic. Last evaluated: 2026-04-01. Review status: criteria provided, single submitter. Criteria: DASA Assertion Criteria. Collection method: clinical testing. Allele origin: germline.
Comment: NM_001849.4(COL6A2):c.2663_2664dup (p.Gln889Serfs*7) is a frameshift variant in COL6A2 predicted to alter the reading frame and introduce a premature termination codon and is predicted to result in an absent or altered protein product. Loss of function is an established disease mechanism for COL6A2-associated disorders. This variant has been reported in individuals with COL6A2-related disorders (PMID: 15689448). Also, this variant is absent from population databases. Based on the currently available evidence, this variant is classified as likely pathogenic.

Labcorp Genetics (formerly Invitae), Labcorp
Classification: Pathogenic for Bethlem myopathy 1A. Last evaluated: 2024-09-30. Review status: criteria provided, single submitter. Criteria: Invitae Variant Classification Sherloc (09022015). Collection method: clinical testing. Allele origin: germline.
Comment: This sequence change creates a premature translational stop signal (p.Gln889Serfs*7) in the COL6A2 gene. While this is not anticipated to result in nonsense mediated decay, it is expected to disrupt the last 131 amino acid(s) of the COL6A2 protein. This variant is not present in population databases (gnomAD no frequency). This variant has not been observed in the literature in individuals with autosomal recessive COL6A2-related conditions. This variant has been reported in individual(s) with autosomal dominant COL6A2-related conditions (PMID: 15689448); however, the role of the variant in this condition is currently unclear. ClinVar contains an entry for this variant (Variation ID: 1459107). This variant disrupts a region of the COL6A2 protein in which other variant(s) (p.Ser931Argfs*52) have been determined to be pathogenic (internal data). This suggests that this is a clinically significant region of the protein, and that variants that disrupt it are likely to be disease-causing. For these reasons, this variant has been classified as Pathogenic.

Literature cited by the submitters: PubMed 15689448 (cited by Dasa and Labcorp Genetics (formerly Invitae), Labcorp).